The following is an entry in ClinVar:

ClinVar aggregate classification (germline): Benign/Likely benign. Review status: criteria provided, multiple submitters, no conflicts (2 of 4 stars). 8 submissions from 7 submitters: Benign (2); Likely benign (6). Last evaluated 2026-09-12.

Conditions:
ABCA1-related disorder. Also called: ABCA1-related condition; ABCA1-related disorders. Identifiers: MedGen CN239173.
Hypoalphalipoproteinemia, primary, 1. Identifiers: Orphanet 425, MedGen C5231558, MONDO:0011393, OMIM 604091.
Tangier disease (TGD). Also called: Cholesterol thesaurismosis; HIGH DENSITY LIPOPROTEIN DEFICIENCY, TANGIER TYPE; HIGH DENSITY LIPOPROTEIN DEFICIENCY, TYPE 1. Identifiers: Orphanet 31150, MedGen C0039292, MONDO:0008783, OMIM 205400.
Cardiovascular phenotype. Identifiers: MedGen CN230736.

Allele frequency attached by ClinVar (database versions not stated): gnomAD exomes 0.00051; ExAC 0.00065; 1000 Genomes Project 0.00120; 1000 Genomes Project 30x 0.00141; gnomAD 0.00197 and 0.00215; TOPMed 0.00235; ESP Exome Variant Server 0.00292.
gnomAD v4.1: 590 of 1,614,086 alleles (0.037%); highest among the groups gnomAD compares: African/African-American, 0.68%; no homozygotes.

Submissions (8):

PreventionGenetics, part of Exact Sciences
Classification: Likely benign for ABCA1-related condition. Last evaluated: 2026-09-12. Review status: criteria provided, single submitter. Criteria: ACMG Guidelines, 2015. Collection method: clinical testing. Allele origin: germline.
Comment: This variant is classified as likely benign based on ACMG/AMP sequence variant interpretation guidelines (Richards et al. 2015 PMID: 25741868, with internal and published modifications).

Ambry Genetics
Classification: Likely benign for Cardiovascular phenotype. Last evaluated: 2026-02-03. Review status: criteria provided, single submitter. Criteria: Ambry Variant Classification Scheme 2023. Collection method: clinical testing. Allele origin: germline.

Labcorp Genetics (formerly Invitae), Labcorp
Classification: Benign. Last evaluated: 2025-12-25. Review status: criteria provided, single submitter. Criteria: Invitae Variant Classification Sherloc (09022015). Collection method: clinical testing. Allele origin: germline.

Mayo Clinic Laboratories, Mayo Clinic
Classification: Likely benign. Last evaluated: 2025-05-12. Review status: criteria provided, single submitter. Criteria: ACMG Guidelines, 2015. Collection method: clinical testing. Allele origin: germline. Observed: 1 variant allele.
Comment: BS1

Blueprint Genetics
Classification: Likely benign. Last evaluated: 2023-11-06. Review status: criteria provided, single submitter. Criteria: ACMG Guidelines, 2015. Collection method: clinical testing. Allele origin: germline.

Illumina Laboratory Services, Illumina
Classification: Benign for Hypoalphalipoproteinemia, primary, 1. Last evaluated: 2018-01-13. Review status: criteria provided, single submitter. Criteria: ICSL Variant Classification Criteria 13 December 2019. Collection method: clinical testing. Allele origin: germline.
Comment: This variant was observed in the ICSL laboratory as part of a predisposition screen in an ostensibly healthy population. It had not been previously curated by ICSL or reported in the Human Gene Mutation Database (HGMD: prior to June 1st, 2018), and was therefore a candidate for classification through an automated scoring system. Utilizing variant allele frequency, disease prevalence and penetrance estimates, and inheritance mode, an automated score was calculated to assess if this variant is too frequent to cause the disease. Based on the score and internal cut-off values, a variant classified as benign is not then subjected to further curation. The score for this variant resulted in a classification of benign for this disease.

Illumina Laboratory Services, Illumina
Classification: Likely benign for Tangier disease. Last evaluated: 2018-01-13. Review status: criteria provided, single submitter. Criteria: ICSL Variant Classification Criteria 13 December 2019. Collection method: clinical testing. Allele origin: germline.
Comment: This variant was observed in the ICSL laboratory as part of a predisposition screen in an ostensibly healthy population. It had not been previously curated by ICSL or reported in the Human Gene Mutation Database (HGMD: prior to June 1st, 2018), and was therefore a candidate for classification through an automated scoring system. Utilizing variant allele frequency, disease prevalence and penetrance estimates, and inheritance mode, an automated score was calculated to assess if this variant is too frequent to cause the disease. Based on the score and internal cut-off values, a variant classified as likely benign is not then subjected to further curation. The score for this variant resulted in a classification of likely benign for this disease.

Women's Health and Genetics/Laboratory Corporation of America, LabCorp
Classification: Likely benign. Last evaluated: 2017-10-23. Review status: criteria provided, single submitter. Criteria: LabCorp Variant Classification Summary - May 2015. Collection method: clinical testing. Allele origin: germline.
Comment: Variant summary: The ABCA1 c.2089G>A (p.Ala697Thr) variant involves the alteration of a conserved nucleotide. 3/5 in silico tools predict a damaging outcome for this variant. This variant was found in 169/277104 control chromosomes, predominantly observed in the African subpopulation at a frequency of 0.006367 (153/24032). This frequency is about 509 times the estimated maximal expected allele frequency of a pathogenic ABCA1 variant (0.0000125), suggesting this is likely a benign polymorphism found primarily in the populations of African origin. The variant has not been reported in affected individuals in the literature. In addition, one clinical diagnostic laboratory has classified this variant as likely benign. Taken together, this variant is classified as likely benign.

Literature cited by the submitters: PubMed 23139370 (cited by Women's Health and Genetics/Laboratory Corporation of America, LabCorp); PubMed 25215231 (cited by Women's Health and Genetics/Laboratory Corporation of America, LabCorp).

NM_005502.4(ABCA1):c.2089G>A (p.Ala697Thr)

Gene: ABCA1 (ATP binding cassette subfamily A member 1; minus strand). Cytogenetic location: 9q31.1.
Variant type: single nucleotide variant.
Coding change: c.2089G>A on transcript NM_005502.4 (MANE Select); coding-DNA position 2089, G replaced by A.
Protein change: p.Ala697Thr; replaces alanine 697 with threonine.
Molecular consequence: missense variant.
Genome position (GRCh38, 1-based): chr9:104,828,942, C>T on the plus strand (G>A on the coding strand, the complement: ABCA1 is on the minus strand). VCF-style: chr9-104828942-C-T. GRCh37 (hg19) VCF-style: chr9-107591223-C-T.
Other names: p.Ala697Thr; short protein forms A697T.
Identifiers: ClinVar variation 364437 (VCV000364437.17), dbSNP rs114620717, ClinGen allele CA5168829.
Genomic context (GRCh38, chr9:104,828,942, plus strand): 5'-TCCTGGCAGGGAAGAGCGAGTGAGGCTGCCTTACCTTCAGGATGACCACTAGCAGGCCAG[C>T]GCTCACAAGAAGAGGAATGAGGCTACTAATGAACCAGCTAAACCAGAGGATGCTGTTGTC-3'
Protein context (NP_005493.2, residues 687-707): ISSLIPLLVS[Ala697Thr]GLLVVILKLG